The following is an entry in ClinVar:

NM_000207.3(INS):c.187+241G>A

Genes: INS (insulin; minus strand), INS-IGF2 (INS-IGF2 readthrough; minus strand). Cytogenetic location: 11p15.5.
Variant type: single nucleotide variant.
Coding change: c.187+241G>A on transcript NM_000207.3 (MANE Select); 241 bases into the intron after coding-DNA position 187, G replaced by A.
Molecular consequence: intron variant.
Genome position (GRCh38, 1-based): chr11:2,160,544, C>T on the plus strand (G>A on the coding strand, the complement: INS is on the minus strand). VCF-style: chr11-2160544-C-T. GRCh37 (hg19) VCF-style: chr11-2181774-C-T.
Other names: IVS2, G-A, +241; c.187+241G>A (NM_001042376.3, NM_001185097.2, NM_001291897.2 and 1 more transcripts).
Identifiers: ClinVar variation 268153 (VCV000268153.6), dbSNP rs886041083, ClinGen allele CA10602684.

ClinVar aggregate classification (germline): Conflicting classifications of pathogenicity. Review status: criteria provided, conflicting classifications (1 of 4 stars). 3 submissions from 3 submitters: Likely pathogenic (1); Uncertain significance (1). 1 of the submissions does not count toward it. Last evaluated 2025-08-30.

Conditions:
Diabetes mellitus, permanent neonatal 4. Also called: INS-Related Permanent Neonatal Diabetes Mellitus. Identifiers: MedGen C5394307, MONDO:0030089, OMIM 618858.

Submissions (3):

Labcorp Genetics (formerly Invitae), Labcorp
Classification: Likely pathogenic. Last evaluated: 2025-08-30. Review status: criteria provided, single submitter. Criteria: Invitae Variant Classification Sherloc (09022015). Collection method: clinical testing. Allele origin: germline.
Comment: This sequence change falls in intron 2 of the INS gene. It does not directly change the encoded amino acid sequence of the INS protein. RNA analysis indicates that this variant induces altered splicing and may result in an absent or altered protein product. This variant is not present in population databases (gnomAD no frequency). This variant has been observed in individual(s) with autosomal recessive neonatal diabetes mellitus (PMID: 26101329). ClinVar contains an entry for this variant (Variation ID: 268153). Studies have shown that this variant alters mRNA splicing and is expected to lead to the loss of protein expression (PMID: 26101329). In summary, the currently available evidence indicates that the variant is pathogenic, but additional data are needed to prove that conclusively. Therefore, this variant has been classified as Likely Pathogenic.

Clinical Genomics, Uppaluri K&H Personalized Medicine Clinic
Classification: Uncertain significance for Diabetes mellitus, permanent neonatal 4. Review status: criteria provided, single submitter. Criteria: K &amp; H Uppaluri Personalized Medicine Clinic Variant Classification &amp; Assertion Criteria_Updated V.1. Collection method: research. Allele origin: unknown. Inheritance: Autosomal recessive inheritance.
Comment: Potent mutations in the INS gene can cause early onset diabetes mellitus which is insulin dependent. May have poor response to sulfonylureas, mutations in this gene can cause beta cell destruction. c.187+241G>A (rs886041083) is a intronic variant seen to be associated with Neonatal diabetes.

OMIM
Classification: Pathogenic for DIABETES MELLITUS, PERMANENT NEONATAL, 4. Last evaluated: 2020-12-01. Review status: no assertion criteria provided. Collection method: literature only. Allele origin: germline. Not counted in ClinVar's aggregate classification.

Literature cited by the submitters: PubMed 26101329 (cited by 3 submitters); PubMed 29454299 (cited by Clinical Genomics, Uppaluri K&H Personalized Medicine Clinic).